The following is an entry in ClinVar:

NM_000466.3(PEX1):c.2126T>G (p.Ile709Ser)

Gene: PEX1 (peroxisomal biogenesis factor 1; minus strand). Cytogenetic location: 7q21.2.
Variant type: single nucleotide variant.
Coding change: c.2126T>G on transcript NM_000466.3 (MANE Select); coding-DNA position 2126, T replaced by G.
Protein change: p.Ile709Ser; replaces isoleucine 709 with serine.
Molecular consequence: missense variant.
Genome position (GRCh38, 1-based): chr7:92,503,141, A>C on the plus strand (T>G on the coding strand, the complement: PEX1 is on the minus strand). VCF-style: chr7-92503141-A-C. GRCh37 (hg19) VCF-style: chr7-92132455-A-C.
Other names: c.1502T>G, p.Ile501Ser (NM_001282678.2); c.1955T>G, p.Ile652Ser (NM_001282677.2); short protein forms I501S, I652S, I709S.
Identifiers: ClinVar variation 1942564 (VCV001942564.2), dbSNP rs2484665022, ClinGen allele CA368181844.

ClinVar aggregate classification (germline): Uncertain significance (1 of 4 stars; one submission).

Conditions:
Zellweger spectrum disorders (ZS). Also called: Zellweger Spectrum Disorder; Zellweger Spectrum; Zellweger Spectrum Disorder (ZSD); Zellweger syndrome. Identifiers: Orphanet 912, MedGen C0043459, MONDO:0019609.

Allele frequency attached by ClinVar (database versions not stated): gnomAD exomes below 0.00001.
gnomAD v4.1: 2 of 1,613,734 alleles (0.00012%); highest among the groups gnomAD compares: Non-Finnish European, 0.00017%; no homozygotes.

Submission:

Labcorp Genetics (formerly Invitae), Labcorp
Classification: Uncertain significance for Zellweger spectrum disorders. Last evaluated: 2022-04-09. Review status: criteria provided, single submitter. Criteria: Invitae Variant Classification Sherloc (09022015). Collection method: clinical testing. Allele origin: germline.
Comment: This sequence change replaces isoleucine, which is neutral and non-polar, with serine, which is neutral and polar, at codon 709 of the PEX1 protein (p.Ile709Ser). This variant is not present in population databases (gnomAD no frequency). This variant has not been reported in the literature in individuals affected with PEX1-related conditions. Algorithms developed to predict the effect of missense changes on protein structure and function (SIFT, PolyPhen-2, Align-GVGD) all suggest that this variant is likely to be disruptive. In summary, the available evidence is currently insufficient to determine the role of this variant in disease. Therefore, it has been classified as a Variant of Uncertain Significance.